The following is an entry in ClinVar:

NM_003743.5(NCOA1):c.3014C>T (p.Pro1005Leu)

Gene: NCOA1 (nuclear receptor coactivator 1; plus strand). Cytogenetic location: 2p23.3.
Variant type: single nucleotide variant.
Coding change: c.3014C>T on transcript NM_003743.5 (MANE Select); coding-DNA position 3014, C replaced by T.
Protein change: p.Pro1005Leu; replaces proline 1005 with leucine.
Molecular consequence: missense variant.
Genome position (GRCh38, 1-based): chr2:24,729,628, C>T. VCF-style: chr2-24729628-C-T. GRCh37 (hg19) VCF-style: chr2-24952497-C-T.
Other names: c.3014C>T, p.Pro1005Leu (NM_001362950.1, NM_001362952.1, NM_001362954.1 and 3 more transcripts); short protein forms P1005L.
Identifiers: ClinVar variation 4996839 (VCV004996839.1).
Genomic context (GRCh38, chr2:24,729,628, plus strand): 5'-AAGAAAGACCCAACCTTTATTCCCAGCCTTACTCTTCTCCTTCTCCTACTGCCAATCTCC[C>T]TAGCCCTTTCCAAGGCATGGTCAGGCAAAAACCTTCACTGGGGACGATGCCTGTTCAAGT-3'
Protein context (NP_003734.3, residues 995-1015): YSSPSPTANL[Pro1005Leu]SPFQGMVRQK

ClinVar aggregate classification (germline): Uncertain significance (1 of 4 stars; one submission).

Conditions:
NCOA1-related disorder. Also called: NCOA1-related condition.

Submission:

PreventionGenetics, part of Exact Sciences
Classification: Uncertain significance for NCOA1-related condition. Last evaluated: 2025-02-20. Review status: criteria provided, single submitter. Criteria: ACMG Guidelines, 2015. Collection method: clinical testing. Allele origin: germline.
Comment: The NCOA1 c.3014C>T variant is predicted to result in the amino acid substitution p.Pro1005Leu. To our knowledge, this variant has not been reported in the literature or in a large population database (gnomAD), indicating this variant is rare. At this time, the clinical significance of this variant is uncertain due to the absence of conclusive functional and genetic evidence.